The following is an entry in ClinVar:

NM_015267.4(CUX2):c.386G>A (p.Arg129Gln)

Gene: CUX2 (cut like homeobox 2; plus strand). Cytogenetic location: 12q24.11.
Variant type: single nucleotide variant.
Coding change: c.386G>A on transcript NM_015267.4 (MANE Select); coding-DNA position 386, G replaced by A.
Protein change: p.Arg129Gln; replaces arginine 129 with glutamine.
Molecular consequence: missense variant.
Genome position (GRCh38, 1-based): chr12:111,291,502, G>A. VCF-style: chr12-111291502-G-A. GRCh37 (hg19) VCF-style: chr12-111729306-G-A.
Other names: c.200G>A, p.Arg67Gln (NM_001370598.1); c.386G>A (NM_015267.3); short protein forms R129Q, R67Q.
Identifiers: ClinVar variation 2643293 (VCV002643293.26), dbSNP rs537978708, ClinGen allele CA6788337.

ClinVar aggregate classification (germline): Likely benign. Review status: criteria provided, multiple submitters, no conflicts (2 of 4 stars). 3 submissions from 3 submitters: Likely benign (3). Last evaluated 2024-10-30.

Conditions:
Inborn genetic diseases. Identifiers: MedGen C0950123, MeSH D030342.

Allele frequency attached by ClinVar (database versions not stated): gnomAD exomes 0.00004; gnomAD 0.00005; TOPMed 0.00005; ExAC 0.00007; 1000 Genomes Project 30x 0.00016; 1000 Genomes Project 0.00020.

Submissions (3):

Blueprint Genetics
Classification: Likely benign. Last evaluated: 2024-10-30. Review status: criteria provided, single submitter. Criteria: ACMG Guidelines, 2015. Collection method: clinical testing. Allele origin: germline.

CeGaT Center for Human Genetics Tuebingen
Classification: Likely benign. Last evaluated: 2023-06-01. Review status: criteria provided, single submitter. Criteria: CeGaT Center For Human Genetics Tuebingen Variant Classification Criteria Version 2. Collection method: clinical testing. Allele origin: germline. Affected: yes. Observed: 1 variant allele.
Comment: CUX2: BP4

Ambry Genetics
Classification: Likely benign for Inborn genetic diseases. Last evaluated: 2022-05-16. Review status: criteria provided, single submitter. Criteria: Ambry Variant Classification Scheme 2023. Collection method: clinical testing. Allele origin: germline.